The following is an entry in ClinVar:

ClinVar aggregate classification (germline): Uncertain significance (1 of 4 stars; one submission).

Conditions:
Sandhoff disease. Also called: Beta-hexosaminidase-beta-subunit deficiency; GM2 gangliosidosis, type 2; Total hexosaminidase deficiency; Sandhoff-Jatzkewitz-Pilz disease; GM2-GANGLIOSIDOSIS, TYPE II; HEXOSAMINIDASES A AND B DEFICIENCY. Identifiers: Orphanet 796, MedGen C0036161, MONDO:0010006, OMIM 268800.

Submission:

Labcorp Genetics (formerly Invitae), Labcorp
Classification: Uncertain significance for Sandhoff disease. Last evaluated: 2021-08-27. Review status: criteria provided, single submitter. Criteria: Invitae Variant Classification Sherloc (09022015). Collection method: clinical testing. Allele origin: germline.
Comment: This sequence change replaces aspartic acid with histidine at codon 426 of the HEXB protein (p.Asp426His). The aspartic acid residue is weakly conserved and there is a moderate physicochemical difference between aspartic acid and histidine. This variant is not present in population databases (ExAC no frequency). This variant has not been reported in the literature in individuals affected with HEXB-related conditions. Advanced modeling of protein sequence and biophysical properties (such as structural, functional, and spatial information, amino acid conservation, physicochemical variation, residue mobility, and thermodynamic stability) performed at Invitae indicates that this missense variant is not expected to disrupt HEXB protein function. In summary, the available evidence is currently insufficient to determine the role of this variant in disease. Therefore, it has been classified as a Variant of Uncertain Significance.

NM_000521.4(HEXB):c.1276G>C (p.Asp426His)

Gene: HEXB (hexosaminidase subunit beta; plus strand). Cytogenetic location: 5q13.3.
Variant type: single nucleotide variant.
Coding change: c.1276G>C on transcript NM_000521.4 (MANE Select); coding-DNA position 1276, G replaced by C.
Protein change: p.Asp426His; replaces aspartic acid 426 with histidine.
Molecular consequence: missense variant.
Genome position (GRCh38, 1-based): chr5:74,718,830, G>C. VCF-style: chr5-74718830-G-C. GRCh37 (hg19) VCF-style: chr5-74014655-G-C.
Other names: c.601G>C, p.Asp201His (NM_001292004.2); short protein forms D426H, D201H.
Identifiers: ClinVar variation 2166969 (VCV002166969.1), dbSNP rs780330079, ClinGen allele CA360070225.